The following is an entry in ClinVar:

NM_000146.4(FTL):c.246C>G (p.Ile82Met)

Gene: FTL (ferritin light chain; plus strand). Cytogenetic location: 19q13.33.
Variant type: single nucleotide variant.
Coding change: c.246C>G on transcript NM_000146.4 (MANE Select); coding-DNA position 246, C replaced by G.
Protein change: p.Ile82Met; replaces isoleucine 82 with methionine.
Molecular consequence: missense variant.
Genome position (GRCh38, 1-based): chr19:48,965,913, C>G. VCF-style: chr19-48965913-C-G. GRCh37 (hg19) VCF-style: chr19-49469170-C-G.
Other names: short protein forms I82M.
Identifiers: ClinVar variation 4532518 (VCV004532518.1).
Genomic context (GRCh38, chr19:48,965,913, plus strand): 5'-CTACGAGCGTCTCCTGAAGATGCAAAACCAGCGTGGCGGCCGCGCTCTCTTCCAGGACAT[C>G]AAGGTAACTAGTGTGTGGGTAATGGACTACATCTCCCAGCAGGCCGTGCGCGCGAGGAGC-3'
Protein context (NP_000137.2, residues 72-92): QRGGRALFQD[Ile82Met]KKPAEDEWGK

ClinVar aggregate classification (germline): Uncertain significance (1 of 4 stars; one submission).

Submission:

GeneDx
Classification: Uncertain significance. Last evaluated: 2025-05-28. Review status: criteria provided, single submitter. Criteria: GeneDx Variant Classification Process June 2021. Collection method: clinical testing. Allele origin: germline. Affected: yes.
Comment: Not observed at significant frequency in large population cohorts (gnomAD); In silico analysis suggests that this missense variant does not alter protein structure/function; Has not been previously published as pathogenic or benign to our knowledge